The following is an entry in ClinVar:

NM_001276270.2(MBD4):c.1648-3del

Gene: MBD4 (methyl-CpG binding domain 4, DNA glycosylase; minus strand). Cytogenetic location: 3q21.3.
Variant type: Deletion.
Coding change: c.1648-3del on transcript NM_001276270.2 (MANE Select); 3 bases into the intron before coding-DNA position 1648, one base deleted (C; older notation c.1648-3delC).
Molecular consequence: intron variant.
Genome position (GRCh38, 1-based): chr3:129,431,581, G deleted on the plus strand (C on the coding strand, the reverse complement: MBD4 is on the minus strand); the first of 2 consecutive G bases (chr3:129,431,581-129,431,582); deleting either gives the same sequence. VCF-style (leftmost placement, unchanged base first): chr3-129431580-TG-T. GRCh37 (hg19) VCF-style: chr3-129150423-TG-T.
Other names: c.712-3del (NM_001276273.2); c.1613-3del (NM_001276272.2); c.1666-3del (NM_003925.3); c.1648-3delC (NM_001276270.2).
Identifiers: ClinVar variation 4104605 (VCV004104605.1).

ClinVar aggregate classification (germline): Uncertain significance (1 of 4 stars; one submission).

Conditions:
Inborn genetic diseases. Identifiers: MedGen C0950123, MeSH D030342.

Submission:

Ambry Genetics
Classification: Uncertain significance for Inborn genetic diseases. Last evaluated: 2025-07-18. Review status: criteria provided, single submitter. Criteria: Ambry Variant Classification Scheme 2023. Collection method: clinical testing. Allele origin: germline.
Comment: The c.1648-3delC intronic variant, located in intron 7 of the MBD4 gene, results from a deletion of one nucleotide within intron 7 of the MBD4 gene. This nucleotide position is well conserved in available vertebrate species. In silico splice site analysis predicts that this alteration may weaken the native splice acceptor site. Based on the available evidence, the clinical significance of this variant remains unclear.